The following is an entry in ClinVar:

ClinVar aggregate classification (germline): Uncertain significance (1 of 4 stars; one submission).

Conditions:
Combined immunodeficiency due to LRBA deficiency. Also called: Common variable immunodeficiency 8, with autoimmunity. Identifiers: Orphanet 445018, MedGen C3553512, MONDO:0013863, OMIM 614700.

Submission:

Labcorp Genetics (formerly Invitae), Labcorp
Classification: Uncertain significance for Combined immunodeficiency due to LRBA deficiency. Last evaluated: 2022-08-16. Review status: criteria provided, single submitter. Criteria: Invitae Variant Classification Sherloc (09022015). Collection method: clinical testing. Allele origin: germline.
Comment: In summary, the available evidence is currently insufficient to determine the role of this variant in disease. Therefore, it has been classified as a Variant of Uncertain Significance. Algorithms developed to predict the effect of missense changes on protein structure and function output the following: SIFT: "Tolerated"; PolyPhen-2: "Possibly Damaging"; Align-GVGD: "Class C0". The glutamic acid amino acid residue is found in multiple mammalian species, which suggests that this missense change does not adversely affect protein function. ClinVar contains an entry for this variant (Variation ID: 1484400). This variant has not been reported in the literature in individuals affected with LRBA-related conditions. This variant is not present in population databases (gnomAD no frequency). This sequence change replaces aspartic acid, which is acidic and polar, with glutamic acid, which is acidic and polar, at codon 1927 of the LRBA protein (p.Asp1927Glu).

NM_001364905.1(LRBA):c.5781C>A (p.Asp1927Glu)

Gene: LRBA (LPS responsive beige-like anchor protein; minus strand). Cytogenetic location: 4q31.3.
Variant type: single nucleotide variant.
Coding change: c.5781C>A on transcript NM_001364905.1 (MANE Select); coding-DNA position 5781, C replaced by A.
Protein change: p.Asp1927Glu; replaces aspartic acid 1927 with glutamic acid.
Molecular consequence: missense variant.
Genome position (GRCh38, 1-based): chr4:150,683,691, G>T on the plus strand (C>A on the coding strand, the complement: LRBA is on the minus strand). VCF-style: chr4-150683691-G-T. GRCh37 (hg19) VCF-style: chr4-151604843-G-T.
Other names: c.5781C>A, p.Asp1927Glu (NM_001199282.3, NM_001367550.1, NM_006726.5); short protein forms D1927E.
Identifiers: ClinVar variation 1484400 (VCV001484400.6), dbSNP rs1783253668, ClinGen allele CA358610646.